The following is an entry in ClinVar:

ClinVar aggregate classification (germline): Conflicting classifications of pathogenicity. Review status: criteria provided, conflicting classifications (1 of 4 stars). 3 submissions from 3 submitters: Uncertain significance (1); Benign (1); Likely benign (1). Last evaluated 2025-10-07.

Conditions:
Inborn genetic diseases. Identifiers: MedGen C0950123, MeSH D030342.
Kleefstra syndrome 1 (KLEFS1). Identifiers: Orphanet 261494, MedGen C0795833, MONDO:0027407, OMIM 610253.

Allele frequency attached by ClinVar (database versions not stated): gnomAD exomes below 0.00001 and 0.00002; ExAC 0.00001; TOPMed 0.00002; gnomAD 0.00003.
gnomAD v4.1: 27 of 1,613,884 alleles (0.0017%); highest among the groups gnomAD compares: African/African-American, 0.0053%; no homozygotes.

Submissions (3):

Labcorp Genetics (formerly Invitae), Labcorp
Classification: Likely benign for Kleefstra syndrome 1. Last evaluated: 2025-10-07. Review status: criteria provided, single submitter. Criteria: Invitae Variant Classification Sherloc (09022015). Collection method: clinical testing. Allele origin: germline.

Ambry Genetics
Classification: Uncertain significance for Inborn genetic diseases. Last evaluated: 2017-04-17. Review status: criteria provided, single submitter. Criteria: Ambry Variant Classification Scheme 2023. Collection method: clinical testing. Allele origin: germline.
Comment: The p.G411S variant (also known as c.1231G>A), located in coding exon 7 of the EHMT1 gene, results from a G to A substitution at nucleotide position 1231. The glycine at codon 411 is replaced by serine, an amino acid with similar properties. This amino acid position is highly conserved in available vertebrate species. In addition, this alteration is predicted to be tolerated by in silico analysis. Since supporting evidence is limited at this time, the clinical significance of this alteration remains unclear.

Laboratory of Genetics, Children's Clinical University Hospital Latvia
Classification: Benign for Kleefstra syndrome 1. Review status: criteria provided, single submitter. Criteria: ACMG Guidelines, 2015. Collection method: curation. Allele origin: germline. Affected: yes.
Comment: Inheritance unknown

Literature cited by the submitters: PubMed 39013458 (cited by Laboratory of Genetics, Children's Clinical University Hospital Latvia).

NM_024757.5(EHMT1):c.1231G>A (p.Gly411Ser)

Gene: EHMT1 (euchromatic histone lysine methyltransferase 1; plus strand). Cytogenetic location: 9q34.3.
Variant type: single nucleotide variant.
Coding change: c.1231G>A on transcript NM_024757.5 (MANE Select); coding-DNA position 1231, G replaced by A.
Protein change: p.Gly411Ser; replaces glycine 411 with serine.
Molecular consequence: missense variant.
Genome position (GRCh38, 1-based): chr9:137,752,391, G>A. VCF-style: chr9-137752391-G-A. GRCh37 (hg19) VCF-style: chr9-140646843-G-A.
Other names: c.1231G>A, p.Gly411Ser (NM_001145527.2, NM_001354611.2); c.1138G>A, p.Gly380Ser (NM_001354259.2, NM_001354612.2); c.1210G>A, p.Gly404Ser (NM_001354263.2); short protein forms G411S, G380S, G404S.
Identifiers: ClinVar variation 588970 (VCV000588970.15), dbSNP rs754380060, ClinGen allele CA5374540.